The following is an entry in ClinVar:

ClinVar aggregate classification (germline): Uncertain significance. Review status: criteria provided, multiple submitters, no conflicts (2 of 4 stars). 2 submissions from 2 submitters: Uncertain significance (2). Last evaluated 2025-05-11.

Conditions:
Inborn genetic diseases. Identifiers: MedGen C0950123, MeSH D030342.
Developmental and epileptic encephalopathy, 12 (DEE12). Identifiers: MedGen C3150988, MONDO:0013389, OMIM 613722.

Submissions (2):

Labcorp Genetics (formerly Invitae), Labcorp
Classification: Uncertain significance for Developmental and epileptic encephalopathy, 12. Last evaluated: 2025-05-11. Review status: criteria provided, single submitter. Criteria: Invitae Variant Classification Sherloc (09022015). Collection method: clinical testing. Allele origin: germline.
Comment: This variant, c.821_841del, results in the deletion of 7 amino acid(s) of the PNKP protein (p.Asn274_Ser280del), but otherwise preserves the integrity of the reading frame. This variant is not present in population databases (gnomAD no frequency). This variant has not been reported in the literature in individuals affected with PNKP-related conditions. ClinVar contains an entry for this variant (Variation ID: 538887). Experimental studies and prediction algorithms are not available or were not evaluated, and the functional significance of this variant is currently unknown. In summary, the available evidence is currently insufficient to determine the role of this variant in disease. Therefore, it has been classified as a Variant of Uncertain Significance.

Ambry Genetics
Classification: Uncertain significance for Inborn genetic diseases. Last evaluated: 2017-01-09. Review status: criteria provided, single submitter. Criteria: Ambry Variant Classification Scheme 2023. Collection method: clinical testing. Allele origin: germline.
Comment: The c.821_841del21 variant (also known as p.N274_S280del) is located in coding exon 8 of the PNKP gene. This variant results from an in-frame ACGACGGCACGCCCATATCCA deletion at nucleotide positions 821 to 841. This results in the deletion of 7 residues between codons 274 and 280.These amino acid positions are not well conserved in available vertebrate species. Since supporting evidence is limited at this time, the clinical significance of this alteration remains unclear.

NM_007254.4(PNKP):c.821_841del (p.Asn274_Ser280del)

Gene: PNKP (polynucleotide kinase 3'-phosphatase; minus strand). Cytogenetic location: 19q13.33.
Variant type: Deletion.
Coding change: c.821_841del on transcript NM_007254.4 (MANE Select); coding-DNA positions 821 to 841, 21 bases deleted (ACGACGGCACGCCCATATCCA).
Protein change: p.Asn274_Ser280del.
Molecular consequence: inframe deletion.
Genome position (GRCh38, 1-based): chr19:49,862,714-49,862,734, TGGATATGGGCGTGCCGTCGT deleted on the plus strand (ACGACGGCACGCCCATATCCA on the coding strand, the reverse complement: PNKP is on the minus strand); deleting any 21 consecutive bases within chr19:49,862,714-49,862,737 gives the same sequence; the c. name uses the placement nearest the transcript's 3' end. VCF-style (leftmost placement, unchanged base first): chr19-49862713-ATGGATATGGGCGTGCCGTCGT-A. GRCh37 (hg19) VCF-style: chr19-50365970-ATGGATATGGGCGTGCCGTCGT-A.
Identifiers: ClinVar variation 538887 (VCV000538887.11), dbSNP rs1555811217, ClinGen allele CA658799285.